The following is an entry in ClinVar:

ClinVar aggregate classification (germline): Likely benign (1 of 4 stars; one submission).

Conditions:
Succinate-semialdehyde dehydrogenase deficiency (SSADHD). Also called: Succinic Semialdehyde Dehydrogenase Deficiency; 4-HYDROXYBUTYRIC ACIDURIA; GABA METABOLIC DEFECT; SSADH DEFICIENCY. Identifiers: Orphanet 22, MedGen C0268631, MONDO:0010083, OMIM 271980.

Allele frequency attached by ClinVar (database versions not stated): gnomAD 0.00017 and 0.00025; TOPMed 0.00023; 1000 Genomes Project 30x 0.00203; 1000 Genomes Project 0.00220.
gnomAD v4.1: 37 of 152,336 alleles (0.024%); highest among the groups gnomAD compares: East Asian, 0.69%; 1 homozygote.

Submission:

Illumina Laboratory Services, Illumina
Classification: Likely benign for Succinate-semialdehyde dehydrogenase deficiency. Last evaluated: 2018-01-13. Review status: criteria provided, single submitter. Criteria: ICSL Variant Classification Criteria 13 December 2019. Collection method: clinical testing. Allele origin: germline.
Comment: This variant was observed in the ICSL laboratory as part of a predisposition screen in an ostensibly healthy population. It had not been previously curated by ICSL or reported in the Human Gene Mutation Database (HGMD: prior to June 1st, 2018), and was therefore a candidate for classification through an automated scoring system. Utilizing variant allele frequency, disease prevalence and penetrance estimates, and inheritance mode, an automated score was calculated to assess if this variant is too frequent to cause the disease. Based on the score and internal cut-off values, a variant classified as likely benign is not then subjected to further curation. The score for this variant resulted in a classification of likely benign for this disease.

NM_001080.3(ALDH5A1):c.*1249T>A

Gene: ALDH5A1 (aldehyde dehydrogenase 5 family member A1; plus strand). Cytogenetic location: 6p22.3.
Variant type: single nucleotide variant.
Coding change: c.*1249T>A on transcript NM_001080.3 (MANE Select); 1249 bases downstream of the stop codon, T replaced by A.
Molecular consequence: 3 prime UTR variant.
Genome position (GRCh38, 1-based): chr6:24,534,961, T>A. VCF-style: chr6-24534961-T-A. GRCh37 (hg19) VCF-style: chr6-24535189-T-A.
Other names: c.*1249T>A (NM_001368954.1, NM_170740.1).
Identifiers: ClinVar variation 356163 (VCV000356163.5), dbSNP rs149522807, ClinGen allele CA10621814.